The following is an entry in ClinVar:

NM_006514.4(SCN10A):c.1733C>A (p.Ala578Asp)

Gene: SCN10A (sodium voltage-gated channel alpha subunit 10; minus strand). Cytogenetic location: 3p22.2.
Variant type: single nucleotide variant.
Coding change: c.1733C>A on transcript NM_006514.4 (MANE Select); coding-DNA position 1733, C replaced by A.
Protein change: p.Ala578Asp; replaces alanine 578 with aspartic acid.
Molecular consequence: missense variant. On other transcripts: intron variant (1).
Genome position (GRCh38, 1-based): chr3:38,752,241, G>T on the plus strand (C>A on the coding strand, the complement: SCN10A is on the minus strand). VCF-style: chr3-38752241-G-T. GRCh37 (hg19) VCF-style: chr3-38793732-G-T.
Other names: c.1733C>A, p.Ala578Asp (NM_001293306.2); c.1462-2057C>A (NM_001293307.2); short protein forms A578D.
Identifiers: ClinVar variation 1779026 (VCV001779026.7), dbSNP rs535115766, ClinGen allele CA2320775.

ClinVar aggregate classification (germline): Uncertain significance. Review status: criteria provided, multiple submitters, no conflicts (2 of 4 stars). 2 submissions from 2 submitters: Uncertain significance (2). Last evaluated 2022-04-15.

Conditions:
Cardiovascular phenotype. Identifiers: MedGen CN230736.
Brugada syndrome. Also called: Sudden unexpected nocturnal death syndrome; Sudden unexplained nocturnal death syndrome; Sudden Unexplained Death Syndrome; Sudden Unexplained Nocturnal Death Syndrome (SUNDS). Identifiers: Orphanet 130, MedGen C1142166, MONDO:0015263.

Allele frequency attached by ClinVar (database versions not stated): ExAC 0.00001.
gnomAD v4.1: 2 of 1,544,208 alleles (0.00013%); highest among the groups gnomAD compares: Non-Finnish European, 0.00017%; no homozygotes.

Submissions (2):

Labcorp Genetics (formerly Invitae), Labcorp
Classification: Uncertain significance for Brugada syndrome. Last evaluated: 2022-04-15. Review status: criteria provided, single submitter. Criteria: Invitae Variant Classification Sherloc (09022015). Collection method: clinical testing. Allele origin: germline.
Comment: In summary, the available evidence is currently insufficient to determine the role of this variant in disease. Therefore, it has been classified as a Variant of Uncertain Significance. Advanced modeling of protein sequence and biophysical properties (such as structural, functional, and spatial information, amino acid conservation, physicochemical variation, residue mobility, and thermodynamic stability) performed at Invitae indicates that this missense variant is not expected to disrupt SCN10A protein function. This variant has not been reported in the literature in individuals affected with SCN10A-related conditions. This variant is present in population databases (rs535115766, gnomAD 0.001%). This sequence change replaces alanine, which is neutral and non-polar, with aspartic acid, which is acidic and polar, at codon 578 of the SCN10A protein (p.Ala578Asp).

Ambry Genetics
Classification: Uncertain significance for Cardiovascular phenotype. Last evaluated: 2020-12-21. Review status: criteria provided, single submitter. Criteria: Ambry Variant Classification Scheme 2023. Collection method: clinical testing. Allele origin: germline.
Comment: The p.A578D variant (also known as c.1733C>A), located in coding exon 11 of the SCN10A gene, results from a C to A substitution at nucleotide position 1733. The alanine at codon 578 is replaced by aspartic acid, an amino acid with dissimilar properties. This amino acid position is not well conserved in available vertebrate species. In addition, this alteration is predicted to be tolerated by in silico analysis. Since supporting evidence is limited at this time, the clinical significance of this alteration remains unclear.